The following is an entry in ClinVar:

ClinVar aggregate classification (germline): Pathogenic. Review status: criteria provided, multiple submitters, no conflicts (2 of 4 stars). 6 submissions from 6 submitters: Pathogenic (5). 1 of the submissions does not count toward it. Last evaluated 2025-05-10.

Conditions:
Glycine encephalopathy 1 (GCE1). Identifiers: MedGen CN376801, MONDO:0958179, OMIM 605899.
Glycine encephalopathy. Also called: Non-ketotic hyperglycinemia; Nonketotic hyperglycinemia. Identifiers: Orphanet 407, MedGen C0751748, MONDO:0011612, HP:0008288.

Allele frequency attached by ClinVar (database versions not stated): gnomAD 0.00001; TOPMed 0.00001.

Submissions (6):

Labcorp Genetics (formerly Invitae), Labcorp
Classification: Pathogenic for Glycine encephalopathy. Last evaluated: 2025-05-10. Review status: criteria provided, single submitter. Criteria: Invitae Variant Classification Sherloc (09022015). Collection method: clinical testing. Allele origin: germline.
Comment: This sequence change creates a premature translational stop signal (p.Asp43Alafs*48) in the GLDC gene. It is expected to result in an absent or disrupted protein product. Loss-of-function variants in GLDC are known to be pathogenic (PMID: 16601880). This variant is not present in population databases (gnomAD no frequency). This premature translational stop signal has been observed in individual(s) with encephalopathy (PMID: 30609409). ClinVar contains an entry for this variant (Variation ID: 552137). For these reasons, this variant has been classified as Pathogenic.

Natera, Inc.
Classification: Pathogenic for Non-ketotic hyperglycinemia. Last evaluated: 2024-06-07. Review status: criteria provided, single submitter. Criteria: Natera Variant Classification Schema (03/2026). Collection method: clinical testing. Allele origin: germline.
Comment: The c.128delA variant in GLDC is a frameshift variant predicted to shift the reading frame beginning at codon 43 and leads to a stop codon 48 codons downstream. This variant is expected to result in nonsense mediated decay, truncation, or a dysfunctional protein product. This variant is rare in the general population with a frequency below the threshold expected for the associated phenotype(s). This variant has been observed in one or more individuals affected with the associated recessive disease, as either homozygous or compound heterozygous with a second variant (PMID: 26179960). Given the available evidence, this variant is classified as Pathogenic.

GeneDx
Classification: Pathogenic. Last evaluated: 2023-03-26. Review status: criteria provided, single submitter. Criteria: GeneDx Variant Classification Process June 2021. Collection method: clinical testing. Allele origin: germline. Affected: yes.
Comment: Has been reported (as c.127_128delAfs*47, due to use of alternate nomenclature) in trans with a splice site variant in a patient with severe nonketotic hyperglycinemia (Swanson et al., 2015); Frameshift variant predicted to result in protein truncation or nonsense mediated decay in a gene for which loss-of-function is a known mechanism of disease; Not observed in large population cohorts (gnomAD); This variant is associated with the following publications: (PMID: 26179960, 30609409)

Women's Health and Genetics/Laboratory Corporation of America, LabCorp
Classification: Pathogenic for Glycine encephalopathy. Last evaluated: 2021-03-08. Review status: criteria provided, single submitter. Criteria: LabCorp Variant Classification Summary - May 2015. Collection method: clinical testing. Allele origin: germline.
Comment: Variant summary: GLDC c.128delA (p.Asp43AlafsX48) results in a premature termination codon, predicted to cause a truncation of the encoded protein or absence of the protein due to nonsense mediated decay, which are commonly known mechanisms for disease. Truncations downstream of this position have been classified as pathogenic by our laboratory. The variant allele was found at a frequency of 1.3e-05 in 150762 control chromosomes (gnomAD v3.1). c.128delA has been reported in the literature in individuals affected with Glycine Encephalopathy (Non-Ketotic Hyperglycinemia) (e.g. Swanson_2015, Coughlin_2017) and is included as a pathogenic variant in targeted testing panels for Amish communities (e.g. Crowgey_2019, Clinic for Special Children). Three ClinVar submitters (evaluation after 2014) cite the variant as pathogenic/likely pathogenic. Based on the evidence outlined above, the variant was classified as pathogenic.

Laboratory for Molecular Medicine, Mass General Brigham Personalized Medicine
Classification: Pathogenic for Glycine encephalopathy. Last evaluated: 2018-02-07. Review status: criteria provided, single submitter. Criteria: LMM Criteria. Collection method: clinical testing. Allele origin: germline. Inheritance: Autosomal recessive inheritance. Observed: 1 variant allele.
Comment: The p.Asp43AlafsX48 (NM_000170.2 c.128delA) variant in GLDC has been previously reported in 1 compound heterozygous individual with glycine encephalopathy (Swan son 2015), and was absent from large population studies. This variant is predict ed to cause a frameshift, which alters the protein?s amino acid sequence beginni ng at position 43 and leads to a premature termination codon 48 amino acids down stream. This alteration is then predicted to lead to a truncated or absent prote in. Biallelic loss of function of the GLDC gene is associated with glycine encep halopathy. In summary, the p.Asp43AlafsX48 variant meets our criteria to be clas sified as pathogenic for glycine encephalopathy in an autosomal recessive manner based on its occurrence in trans with another pathogenic variant in an affected individual and its predicted impact on the protein.

Counsyl
Classification: Likely pathogenic for Glycine encephalopathy 1. Last evaluated: 2017-05-23. Review status: no assertion criteria provided. Collection method: clinical testing. Allele origin: unknown. Not counted in ClinVar's aggregate classification.

Literature cited by the submitters: PubMed 16601880 (cited by Labcorp Genetics (formerly Invitae), Labcorp); PubMed 30609409 (cited by Labcorp Genetics (formerly Invitae), Labcorp and Women's Health and Genetics/Laboratory Corporation of America, LabCorp); PubMed 26179960 (cited by 4 submitters); PubMed 27362913 (cited by Women's Health and Genetics/Laboratory Corporation of America, LabCorp); PubMed 31028937 (cited by Women's Health and Genetics/Laboratory Corporation of America, LabCorp).

NM_000170.3(GLDC):c.128del (p.Asp43fs)

Gene: GLDC (glycine decarboxylase; minus strand). Cytogenetic location: 9p24.1.
Variant type: Deletion.
Coding change: c.128del on transcript NM_000170.3 (MANE Select); coding-DNA position 128, one base deleted (A; older notation c.128delA).
Protein change: p.Asp43fs; shifts the reading frame from aspartic acid 43.
Molecular consequence: frameshift variant.
Genome position (GRCh38, 1-based): chr9:6,645,372, T deleted on the plus strand (A on the coding strand, the reverse complement: GLDC is on the minus strand). VCF-style (leftmost placement, unchanged base first): chr9-6645371-GT-G. GRCh37 (hg19) VCF-style: chr9-6645371-GT-G.
Other names: c.128delA (NM_000170.2); short protein forms D43fs.
Identifiers: ClinVar variation 552137 (VCV000552137.23), dbSNP rs1251443902, ClinGen allele CA658822022.
Genomic context (GRCh38, chr9:6,645,371, plus strand): 5'-GAAGTCGTCGTGTCTGGGCAGAAGGCGCTCCAGGAGGCGCGAGGCCCCAGCCGCGGCGCT[GT>G]CCCCGCCGCCACTGCTGCTGTCCCGGCTCCGCGGCGCCCAGCACGGCCCCGATCCCCCAG-3'